The following is an entry in ClinVar:

ClinVar aggregate classification (germline): Uncertain significance (1 of 4 stars; one submission).

Allele frequency attached by ClinVar (database versions not stated): gnomAD exomes below 0.00001.

Submission:

Ambry Genetics
Classification: Uncertain significance. Last evaluated: 2023-12-14. Review status: criteria provided, single submitter. Criteria: Ambry Variant Classification Scheme 2023. Collection method: clinical testing. Allele origin: germline.
Comment: The p.K461R variant (also known as c.1382A>G), located in coding exon 1 of the MLH3 gene, results from an A to G substitution at nucleotide position 1382. The lysine at codon 461 is replaced by arginine, an amino acid with highly similar properties. This amino acid position is conserved. In addition, this alteration is predicted to be tolerated by in silico analysis. Since supporting evidence is limited at this time, the clinical significance of this alteration remains unclear.

NM_001040108.2(MLH3):c.1382A>G (p.Lys461Arg)

Gene: MLH3 (mutL homolog 3; minus strand). Cytogenetic location: 14q24.3.
Variant type: single nucleotide variant.
Coding change: c.1382A>G on transcript NM_001040108.2 (MANE Select); coding-DNA position 1382, A replaced by G.
Protein change: p.Lys461Arg; replaces lysine 461 with arginine.
Molecular consequence: missense variant.
Genome position (GRCh38, 1-based): chr14:75,048,274, T>C on the plus strand (A>G on the coding strand, the complement: MLH3 is on the minus strand). VCF-style: chr14-75048274-T-C. GRCh37 (hg19) VCF-style: chr14-75514977-T-C.
Other names: c.1382A>G, p.Lys461Arg (NM_014381.3); short protein forms K461R.
Identifiers: ClinVar variation 3232438 (VCV003232438.1), dbSNP rs2503296935, ClinGen allele CA390446080.